The following is an entry in ClinVar:

NM_033380.3(COL4A5):c.1350A>G (p.Ile450Met)

Gene: COL4A5 (collagen type IV alpha 5 chain; plus strand). Cytogenetic location: Xq22.3.
Variant type: single nucleotide variant.
Coding change: c.1350A>G on transcript NM_033380.3 (MANE Select); coding-DNA position 1350, A replaced by G.
Protein change: p.Ile450Met; replaces isoleucine 450 with methionine.
Molecular consequence: missense variant.
Genome position (GRCh38, 1-based): chrX:108,591,571, A>G. VCF-style: chrX-108591571-A-G. GRCh37 (hg19) VCF-style: chrX-107834801-A-G.
Other names: c.1350A>G, p.Ile450Met (NM_000495.5); short protein forms I450M.
Identifiers: ClinVar variation 779560 (VCV000779560.15), dbSNP rs201481496, ClinGen allele CA10488725.

ClinVar aggregate classification (germline): Benign. Review status: criteria provided, single submitter (1 of 4 stars). 3 submissions from 3 submitters: Benign (1). 2 of the submissions do not count toward it. Last evaluated 2025-12-31.

Conditions:
X-linked Alport syndrome (ATS1). Also called: COL4A5-Related Nephropathy; NEPHROPATHY AND DEAFNESS, X-LINKED. Identifiers: Orphanet 63, Orphanet 88917, MedGen C4746986, MONDO:0010520, OMIM 301050.
COL4A5-related disorder. Also called: COL4A5-related condition.

Allele frequency attached by ClinVar (database versions not stated): gnomAD exomes 0.00001 and 0.00007; TOPMed 0.00001; gnomAD 0.00002; ExAC 0.00008; 1000 Genomes Project 0.00053; 1000 Genomes Project 30x 0.00062.
gnomAD v4.1: 15 of 1,198,900 alleles (0.0013%); highest among the groups gnomAD compares: East Asian, 0.036%; no homozygotes.

Submissions (4):

Labcorp Genetics (formerly Invitae), Labcorp
Classification: Benign. Last evaluated: 2025-12-31. Review status: criteria provided, single submitter. Criteria: Invitae Variant Classification Sherloc (09022015). Collection method: clinical testing. Allele origin: germline.

PreventionGenetics, part of Exact Sciences
Classification: Likely benign for COL4A5-related condition. Last evaluated: 2023-02-02. Review status: no assertion criteria provided. Collection method: clinical testing. Allele origin: germline. Not counted in ClinVar's aggregate classification.
Comment: This variant is classified as likely benign based on ACMG/AMP sequence variant interpretation guidelines (Richards et al. 2015 PMID: 25741868, with internal and published modifications).

Natera, Inc.
Classification: Likely benign for X-linked Alport syndrome. Last evaluated: 2021-08-13. Review status: no assertion criteria provided. Collection method: clinical testing. Allele origin: germline. Not counted in ClinVar's aggregate classification.

Dr. Peter K. Rogan Lab, Western University
No classification provided (evidence only). Condition: Nonpapillary renal cell carcinoma. Review status: no classification provided. Collection method: in vitro. Allele origin: not applicable. Functional consequence: retained intron. Not counted in ClinVar's aggregate classification.